The following is an entry in ClinVar:

ClinVar aggregate classification (germline): Uncertain significance (1 of 4 stars; one submission).

Conditions:
Hereditary sensory neuropathy-deafness-dementia syndrome. Also called: NEUROPATHY, HEREDITARY SENSORY, WITH HEARING LOSS AND DEMENTIA; Hereditary Sensory and Autonomic Neuropathy Type 1E (HSAN1E); Hereditary sensory neuropathy type IE; HSN IE. Identifiers: Orphanet 456318, MedGen C3279885, MONDO:0013584, OMIM 614116.

Allele frequency attached by ClinVar (database versions not stated): TOPMed below 0.00001.

Submission:

Labcorp Genetics (formerly Invitae), Labcorp
Classification: Uncertain significance for Hereditary sensory neuropathy-deafness-dementia syndrome. Last evaluated: 2023-01-01. Review status: criteria provided, single submitter. Criteria: Invitae Variant Classification Sherloc (09022015). Collection method: clinical testing. Allele origin: germline.
Comment: This sequence change replaces alanine, which is neutral and non-polar, with glycine, which is neutral and non-polar, at codon 8 of the DNMT1 protein (p.Ala8Gly). This variant is present in population databases (no rsID available, gnomAD 0.001%). This variant has not been reported in the literature in individuals affected with DNMT1-related conditions. Algorithms developed to predict the effect of missense changes on protein structure and function are either unavailable or do not agree on the potential impact of this missense change (SIFT: "Tolerated"; PolyPhen-2: "Probably Damaging"; Align-GVGD: "Class C0"). In summary, the available evidence is currently insufficient to determine the role of this variant in disease. Therefore, it has been classified as a Variant of Uncertain Significance.

NM_001130823.3(DNMT1):c.23C>G (p.Ala8Gly)

Genes: DNMT1 (DNA methyltransferase 1; minus strand), LOC130063472 (ATAC-STARR-seq lymphoblastoid silent region 10057; plus strand). Cytogenetic location: 19p13.2.
Variant type: single nucleotide variant.
Coding change: c.23C>G on transcript NM_001130823.3 (MANE Select); coding-DNA position 23, C replaced by G.
Protein change: p.Ala8Gly; replaces alanine 8 with glycine.
Molecular consequence: missense variant. On other transcripts: 5 prime UTR variant (1).
Genome position (GRCh38, 1-based): chr19:10,194,877, G>C on the plus strand (C>G on the coding strand, the complement: DNMT1 is on the minus strand). VCF-style: chr19-10194877-G-C. GRCh37 (hg19) VCF-style: chr19-10305553-G-C.
Other names: c.23C>G, p.Ala8Gly (NM_001318730.2, NM_001379.4); c.-301C>G (NM_001318731.2); short protein forms A8G.
Identifiers: ClinVar variation 2991627 (VCV002991627.3), dbSNP rs994411260, ClinGen allele CA305193780.